The following is an entry in ClinVar:

ClinVar aggregate classification (germline): Uncertain significance (1 of 4 stars; one submission).

Conditions:
Intellectual developmental disorder, X-linked, syndromic 33. Also called: Intellectual disability, X-linked, syndromic 33; X-linked intellectual disability-global development delay-facial dysmorphism-sacral caudal remnant syndrome. Identifiers: Orphanet 480907, MedGen C4225418, MONDO:0010500, OMIM 300966.

Submission:

3billion
Classification: Uncertain significance for Intellectual developmental disorder, X-linked, syndromic 33. Last evaluated: 2024-11-18. Review status: criteria provided, single submitter. Criteria: ACMG Guidelines, 2015. Collection method: clinical testing. Allele origin: germline. Affected: yes.
Comment: The variant is not observed in the gnomAD v4.1.0 dataset. Predicted Consequence/Location: Missense variant. Missense changes are a common disease-causing mechanism. In silico tool predictions suggest damaging effect of the variant on gene or gene product [3Cnet: 0.99 (>=0.6, sensitivity 0.72 and precision 0.9)]. Therefore, this variant is classified as VUS according to the recommendation of ACMG/AMP guideline.

NM_004606.5(TAF1):c.2620G>C (p.Glu874Gln)

Gene: TAF1 (TATA-box binding protein associated factor 1; plus strand). Cytogenetic location: Xq13.1.
Variant type: single nucleotide variant.
Coding change: c.2620G>C on transcript NM_004606.5 (MANE Select); coding-DNA position 2620, G replaced by C.
Protein change: p.Glu874Gln; replaces glutamic acid 874 with glutamine.
Molecular consequence: missense variant. On other transcripts: non-coding transcript variant (9).
Genome position (GRCh38, 1-based): chrX:71,388,788, G>C. VCF-style: chrX-71388788-G-C. GRCh37 (hg19) VCF-style: chrX-70608638-G-C.
Other names: c.2620G>C, p.Glu874Gln (NM_001286074.2, NM_001440852.1, NM_001440853.1); c.2557G>C, p.Glu853Gln (NM_001440854.1, NM_138923.4); short protein forms E853Q, E874Q.
Identifiers: ClinVar variation 4292910 (VCV004292910.1).